The following is an entry in ClinVar:

NM_000321.3(RB1):c.1958_1960del (p.Lys653_Val654delinsMet)

Gene: RB1 (RB transcriptional corepressor 1; plus strand). Cytogenetic location: 13q14.2.
Variant type: Deletion.
Coding change: c.1958_1960del on transcript NM_000321.3 (MANE Select); coding-DNA positions 1958 to 1960, 3 bases deleted (AAG; older notation c.1958_1960delAAG).
Protein change: p.Lys653_Val654delinsMet.
Molecular consequence: inframe indel.
Genome position (GRCh38, 1-based): chr13:48,456,347-48,456,349, AAG deleted. VCF-style (leftmost placement, unchanged base first): chr13-48456346-AAAG-A. GRCh37 (hg19) VCF-style: chr13-49030482-AAAG-A.
Other names: c.1958_1960del, p.Lys653_Val654delinsMet (NM_001407165.1).
Identifiers: ClinVar variation 3237043 (VCV003237043.1), dbSNP rs2542364433.

ClinVar aggregate classification (germline): Pathogenic (1 of 4 stars; one submission).

Conditions:
Retinoblastoma (RB1). Also called: RETINOBLASTOMA, SOMATIC. Identifiers: Orphanet 790, MedGen C0035335, MeSH D012175, MONDO:0008380, OMIM 180200, HP:0009919. Disease mechanism: loss of function. Inheritance: Both sporadic and heritable forms are tested..

Submission:

Genetic Diagnostic Laboratory, University of Pennsylvania School of Medicine
Classification: Pathogenic for Retinoblastoma. Last evaluated: 2024-05-20. Review status: criteria provided, single submitter. Criteria: ACMG Guidelines, 2015. Collection method: clinical testing. Allele origin: germline. Affected: yes. Observed: 1 variant allele.
Comment: Case and Pedigree Information: BILATERAL CASES:1, UNILATERAL CASES:0, TOTAL CASES:1, PEDIGREES:1. ACMG Codes Applied:PVS1, PM2, PM4, PP3